The following is an entry in ClinVar:

ClinVar aggregate classification (germline): Uncertain significance (1 of 4 stars; one submission).

Allele frequency attached by ClinVar (database versions not stated): gnomAD exomes below 0.00001.
gnomAD v4.1: 1 of 1,511,584 alleles (0.000066%); highest among the groups gnomAD compares: South Asian, 0.0013%; no homozygotes.

Submission:

Labcorp Genetics (formerly Invitae), Labcorp
Classification: Uncertain significance. Last evaluated: 2022-04-18. Review status: criteria provided, single submitter. Criteria: Invitae Variant Classification Sherloc (09022015). Collection method: clinical testing. Allele origin: germline.
Comment: In summary, the available evidence is currently insufficient to determine the role of this variant in disease. Therefore, it has been classified as a Variant of Uncertain Significance. Algorithms developed to predict the effect of missense changes on protein structure and function output the following: SIFT: "Deleterious"; PolyPhen-2: "Not Available"; Align-GVGD: "Class C0". The serine amino acid residue is found in multiple mammalian species, which suggests that this missense change does not adversely affect protein function. This variant has not been reported in the literature in individuals affected with PDZD7-related conditions. This variant is not present in population databases (gnomAD no frequency). This sequence change replaces proline, which is neutral and non-polar, with serine, which is neutral and polar, at codon 1033 of the PDZD7 protein (p.Pro1033Ser).

NM_001195263.2(PDZD7):c.3097C>T (p.Pro1033Ser)

Gene: PDZD7 (PDZ domain containing 7; minus strand). Cytogenetic location: 10q24.31.
Variant type: single nucleotide variant.
Coding change: c.3097C>T on transcript NM_001195263.2 (MANE Select); coding-DNA position 3097, C replaced by T.
Protein change: p.Pro1033Ser; replaces proline 1033 with serine.
Molecular consequence: missense variant.
Genome position (GRCh38, 1-based): chr10:101,008,472, G>A on the plus strand (C>T on the coding strand, the complement: PDZD7 is on the minus strand). VCF-style: chr10-101008472-G-A. GRCh37 (hg19) VCF-style: chr10-102768229-G-A.
Other names: short protein forms P1033S.
Identifiers: ClinVar variation 2038074 (VCV002038074.4), dbSNP rs2492767981, ClinGen allele CA378222703.